The following is an entry in ClinVar:

NM_000256.3(MYBPC3):c.3060C>T (p.Ser1020=)

Gene: MYBPC3 (myosin binding protein C3; minus strand). Cytogenetic location: 11p11.2.
Variant type: single nucleotide variant.
Coding change: c.3060C>T on transcript NM_000256.3 (MANE Select); coding-DNA position 3060, C replaced by T.
Protein change: p.Ser1020=; no amino-acid change (serine 1020 retained).
Molecular consequence: synonymous variant.
Genome position (GRCh38, 1-based): chr11:47,333,687, G>A on the plus strand (C>T on the coding strand, the complement: MYBPC3 is on the minus strand). VCF-style: chr11-47333687-G-A. GRCh37 (hg19) VCF-style: chr11-47355238-G-A.
Identifiers: ClinVar variation 4702565 (VCV004702565.1).
Genomic context (GRCh38, chr11:47,333,687, plus strand): 5'-TGAATGCACGCGGCGAGCGGCCCGGATGAACAGGATGGTGTCTGTGGGGCTGTTGCGGAT[G>A]CTCACCTCCTCGCCTGCCAGGGGCTGCCCCTCTTTGGTCCAGGTCACCTGAGGCCGGGGC-3'
Protein context (NP_000247.2, residues 1010-1030): EGQPLAGEEV[Ser1020=]IRNSPTDTIL

ClinVar aggregate classification (germline): Uncertain significance (1 of 4 stars; one submission).

Conditions:
Hypertrophic cardiomyopathy. Also called: HYPERTROPHIC MYOCARDIOPATHY. Identifiers: Orphanet 217569, MedGen C0007194, MeSH D002312, MONDO:0005045, HP:0001639.

gnomAD v4.1: 2 of 1,611,248 alleles (0.00012%); highest among the groups gnomAD compares: Non-Finnish European, 0.00017%; no homozygotes.

Submission:

Labcorp Genetics (formerly Invitae), Labcorp
Classification: Uncertain significance for Hypertrophic cardiomyopathy. Last evaluated: 2025-11-19. Review status: criteria provided, single submitter. Criteria: Invitae Variant Classification Sherloc (09022015). Collection method: clinical testing. Allele origin: germline.
Comment: This sequence change affects codon 1020 of the MYBPC3 mRNA. It is a 'silent' change, meaning that it does not change the encoded amino acid sequence of the MYBPC3 protein. This variant is not present in population databases (gnomAD no frequency). This variant has not been reported in the literature in individuals affected with MYBPC3-related conditions. Algorithms developed to predict the effect of sequence changes on RNA splicing suggest that this variant may create or strengthen a splice site. In summary, the available evidence is currently insufficient to determine the role of this variant in disease. Therefore, it has been classified as a Variant of Uncertain Significance.